The following is an entry in ClinVar:

NM_001023.4(RPS20):c.128C>G (p.Ala43Gly)

Gene: RPS20 (ribosomal protein S20; minus strand). Cytogenetic location: 8q12.1.
Variant type: single nucleotide variant.
Coding change: c.128C>G on transcript NM_001023.4 (MANE Select); coding-DNA position 128, C replaced by G.
Protein change: p.Ala43Gly; replaces alanine 43 with glycine.
Molecular consequence: missense variant.
Genome position (GRCh38, 1-based): chr8:56,073,744, G>C on the plus strand (C>G on the coding strand, the complement: RPS20 is on the minus strand). VCF-style: chr8-56073744-G-C. GRCh37 (hg19) VCF-style: chr8-56986303-G-C.
Other names: c.128C>G, p.Ala43Gly (NM_001146227.3); short protein forms A43G.
Identifiers: ClinVar variation 3721226 (VCV003721226.2).
Genomic context (GRCh38, chr8:56,073,744, plus strand): 5'-ATTTACTTTACCTTGGTAGGCATTCGAACTGGTCCTTTCACTTTGAGATTCTTTTCTTTT[G>C]CGCCTCTTATCAAGTCAGCACACACTACAGGAAATAAAAGACCTCTCAGTATAATCGAAA-3'
Protein context (NP_001014.1, residues 33-53): EKVCADLIRG[Ala43Gly]KEKNLKVKGP

ClinVar aggregate classification (germline): Uncertain significance (1 of 4 stars; one submission).

Submission:

Labcorp Genetics (formerly Invitae), Labcorp
Classification: Uncertain significance. Last evaluated: 2025-04-01. Review status: criteria provided, single submitter. Criteria: Invitae Variant Classification Sherloc (09022015). Collection method: clinical testing. Allele origin: germline.
Comment: This sequence change replaces alanine, which is neutral and non-polar, with glycine, which is neutral and non-polar, at codon 43 of the RPS20 protein (p.Ala43Gly). This variant is not present in population databases (gnomAD no frequency). This variant has not been reported in the literature in individuals affected with RPS20-related conditions. An algorithm developed to predict the effect of missense changes on protein structure and function (PolyPhen-2) suggests that this variant is likely to be tolerated. In summary, the available evidence is currently insufficient to determine the role of this variant in disease. Therefore, it has been classified as a Variant of Uncertain Significance.